The following is an entry in ClinVar:

NM_000136.3(FANCC):c.541G>T (p.Ala181Ser)

Genes: FANCC (FA complementation group C; minus strand), AOPEP (aminopeptidase O (putative); plus strand). Cytogenetic location: 9q22.32.
Variant type: single nucleotide variant.
Coding change: c.541G>T on transcript NM_000136.3 (MANE Select); coding-DNA position 541, G replaced by T.
Protein change: p.Ala181Ser; replaces alanine 181 with serine.
Molecular consequence: missense variant.
Genome position (GRCh38, 1-based): chr9:95,150,068, C>A on the plus strand (G>T on the coding strand, the complement: FANCC is on the minus strand). VCF-style: chr9-95150068-C-A. GRCh37 (hg19) VCF-style: chr9-97912350-C-A.
Other names: c.541G>T, p.Ala181Ser (NM_001243743.2, NM_001243744.2); short protein forms A181S.
Identifiers: ClinVar variation 3230388 (VCV003230388.1), dbSNP rs2135428686, ClinGen allele CA374109845.

ClinVar aggregate classification (germline): Uncertain significance (1 of 4 stars; one submission).

Conditions:
Hereditary cancer-predisposing syndrome. Also called: Neoplastic Syndromes, Hereditary; Tumor predisposition; Hereditary neoplastic syndrome; Hereditary Cancer Syndrome. Identifiers: Orphanet 140162, MedGen C0027672, MeSH D009386, MONDO:0015356.

Submission:

Ambry Genetics
Classification: Uncertain significance for Hereditary cancer-predisposing syndrome. Last evaluated: 2023-10-05. Review status: criteria provided, single submitter. Criteria: Ambry Variant Classification Scheme 2023. Collection method: clinical testing. Allele origin: germline.
Comment: The p.A181S variant (also known as c.541G>T), located in coding exon 6 of the FANCC gene, results from a G to T substitution at nucleotide position 541. The alanine at codon 181 is replaced by serine, an amino acid with similar properties. This amino acid position is conserved. In addition, this alteration is predicted to be tolerated by in silico analysis. Since supporting evidence is limited at this time, the clinical significance of this alteration remains unclear.